The following is an entry in ClinVar:

ClinVar aggregate classification (germline): Uncertain significance (1 of 4 stars; one submission).

Conditions:
BBS2-related disorder. Also called: BBS2-related condition; BBS2-related disorders. Identifiers: MedGen CN239228.

Submission:

PreventionGenetics, part of Exact Sciences
Classification: Uncertain significance for BBS2-related condition. Last evaluated: 2025-07-24. Review status: criteria provided, single submitter. Criteria: ACMG Guidelines, 2015. Collection method: clinical testing. Allele origin: germline.
Comment: The BBS2 c.2125A>G variant is predicted to result in the amino acid substitution p.Thr709Ala. To our knowledge, this variant has not been reported in the literature or in a large population database (gnomAD), indicating this variant is rare. At this time, the clinical significance of this variant is uncertain due to the absence of conclusive functional and genetic evidence.

NM_031885.5(BBS2):c.2125A>G (p.Thr709Ala)

Gene: BBS2 (Bardet-Biedl syndrome 2; minus strand). Cytogenetic location: 16q13.
Variant type: single nucleotide variant.
Coding change: c.2125A>G on transcript NM_031885.5 (MANE Select); coding-DNA position 2125, A replaced by G.
Protein change: p.Thr709Ala; replaces threonine 709 with alanine.
Molecular consequence: missense variant. On other transcripts: non-coding transcript variant (5).
Genome position (GRCh38, 1-based): chr16:56,484,802, T>C on the plus strand (A>G on the coding strand, the complement: BBS2 is on the minus strand). VCF-style: chr16-56484802-T-C. GRCh37 (hg19) VCF-style: chr16-56518714-T-C.
Other names: c.2125A>G, p.Thr709Ala (NM_001377456.1); short protein forms T709A.
Identifiers: ClinVar variation 4999211 (VCV004999211.1).